The following is an entry in ClinVar:

NM_004482.4(GALNT3):c.962C>T (p.Pro321Leu)

Gene: GALNT3 (polypeptide N-acetylgalactosaminyltransferase 3; minus strand). Cytogenetic location: 2q24.3.
Variant type: single nucleotide variant.
Coding change: c.962C>T on transcript NM_004482.4 (MANE Select); coding-DNA position 962, C replaced by T.
Protein change: p.Pro321Leu; replaces proline 321 with leucine.
Molecular consequence: missense variant.
Genome position (GRCh38, 1-based): chr2:165,759,447, G>A on the plus strand (C>T on the coding strand, the complement: GALNT3 is on the minus strand). VCF-style: chr2-165759447-G-A. GRCh37 (hg19) VCF-style: chr2-166615957-G-A.
Other names: short protein forms P321L.
Identifiers: ClinVar variation 1714404 (VCV001714404.5), dbSNP rs2467870991, ClinGen allele CA349037313.

ClinVar aggregate classification (germline): Uncertain significance (1 of 4 stars; one submission).

Submission:

Labcorp Genetics (formerly Invitae), Labcorp
Classification: Uncertain significance. Last evaluated: 2022-07-30. Review status: criteria provided, single submitter. Criteria: Invitae Variant Classification Sherloc (09022015). Collection method: clinical testing. Allele origin: germline.
Comment: In summary, the available evidence is currently insufficient to determine the role of this variant in disease. Therefore, it has been classified as a Variant of Uncertain Significance. Algorithms developed to predict the effect of missense changes on protein structure and function are either unavailable or do not agree on the potential impact of this missense change (SIFT: "Deleterious"; PolyPhen-2: "Probably Damaging"; Align-GVGD: "Class C15"). This variant has not been reported in the literature in individuals affected with GALNT3-related conditions. This variant is not present in population databases (gnomAD no frequency). This sequence change replaces proline, which is neutral and non-polar, with leucine, which is neutral and non-polar, at codon 321 of the GALNT3 protein (p.Pro321Leu).